The following is an entry in ClinVar:

NM_201253.3(CRB1):c.5del (p.Ala2fs)

Gene: CRB1 (crumbs cell polarity complex component 1; plus strand). Cytogenetic location: 1q31.3.
Variant type: Deletion.
Coding change: c.5del on transcript NM_201253.3 (MANE Select); coding-DNA position 5, one base deleted (C; older notation c.5delC).
Protein change: p.Ala2fs; shifts the reading frame from alanine 2.
Molecular consequence: frameshift variant. On other transcripts: non-coding transcript variant (2), intron variant (1).
Genome position (GRCh38, 1-based): chr1:197,268,417, C deleted. VCF-style (leftmost placement, unchanged base first): chr1-197268416-GC-G. GRCh37 (hg19) VCF-style: chr1-197237546-GC-G.
Other names: c.5del, p.Ala2fs (NM_001193640.2, NM_001257966.2); c.-212-34023del (NM_001257965.2); short protein forms A2fs.
Identifiers: ClinVar variation 2941543 (VCV002941543.3), dbSNP rs2464580469, ClinGen allele CA2740090462.
Genomic context (GRCh38, chr1:197,268,416, plus strand): 5'-GCCGGACTGGGACCAGACCACCAGCAACACACCAGAGGATGTTCTCTAAATAAGACCATG[GC>G]ACTTAAGAACATTAACTACCTTCTCATCTTCTACCTCAGTTTCTCACTGCTTATCTACAT-3'

ClinVar aggregate classification (germline): Pathogenic (1 of 4 stars; one submission).

Conditions:
Retinitis pigmentosa 12 (RP12). Also called: RP WITH OR WITHOUT PPRPE; RP WITH OR WITHOUT PRESERVED PARAARTERIOLE RETINAL PIGMENT EPITHELIUM; RETINITIS PIGMENTOSA WITH OR WITHOUT PARAARTERIOLAR PRESERVATION OF RETINAL PIGMENT EPITHELIUM. Identifiers: Orphanet 791, MedGen C1838647, MONDO:0010818, OMIM 600105.
Leber congenital amaurosis 8 (LCA8). Identifiers: Orphanet 65, MedGen C3151202, MONDO:0013453, OMIM 613835.

Submission:

Labcorp Genetics (formerly Invitae), Labcorp
Classification: Pathogenic for Leber congenital amaurosis 8; Retinitis pigmentosa 12. Last evaluated: 2022-11-14. Review status: criteria provided, single submitter. Criteria: Invitae Variant Classification Sherloc (09022015). Collection method: clinical testing. Allele origin: germline.
Comment: This sequence change creates a premature translational stop signal (p.Ala2Aspfs*21) in the CRB1 gene. It is expected to result in an absent or disrupted protein product. Loss-of-function variants in CRB1 are known to be pathogenic (PMID: 10508521, 22065545, 23379534, 25412400, 26957898, 28041643, 29391521). This variant is not present in population databases (gnomAD no frequency). This variant has not been reported in the literature in individuals affected with CRB1-related conditions. For these reasons, this variant has been classified as Pathogenic.

Literature cited by the submitters: PubMed 10508521; PubMed 22065545; PubMed 23379534; PubMed 25412400; PubMed 26957898; PubMed 28041643; PubMed 29391521.